The following is an entry in ClinVar:

ClinVar aggregate classification (germline): Benign/Likely benign. Review status: criteria provided, multiple submitters, no conflicts (2 of 4 stars). 2 submissions from 2 submitters: Benign (1); Likely benign (1). Last evaluated 2026-01-28.

Allele frequency attached by ClinVar (database versions not stated): ESP Exome Variant Server 0.00023; gnomAD 0.00045; 1000 Genomes Project 0.00120; 1000 Genomes Project 30x 0.00125.
gnomAD v4.1: 601 of 1,608,466 alleles (0.037%); highest among the groups gnomAD compares: Middle Eastern, 0.38%; 3 homozygotes.

Submissions (2):

Labcorp Genetics (formerly Invitae), Labcorp
Classification: Benign. Last evaluated: 2026-01-28. Review status: criteria provided, single submitter. Criteria: Invitae Variant Classification Sherloc (09022015). Collection method: clinical testing. Allele origin: germline.

CeGaT Center for Human Genetics Tuebingen
Classification: Likely benign. Last evaluated: 2022-10-01. Review status: criteria provided, single submitter. Criteria: CeGaT Center For Human Genetics Tuebingen Variant Classification Criteria Version 2. Collection method: clinical testing. Allele origin: germline. Affected: yes. Observed: 2 variant alleles.
Comment: CRLF1: BP4, BP7

NM_004750.5(CRLF1):c.1092G>A (p.Arg364=)

Genes: CRLF1 (cytokine receptor like factor 1; minus strand), LOC130064021 (ATAC-STARR-seq lymphoblastoid silent region 10411; plus strand). Cytogenetic location: 19p13.11.
Variant type: single nucleotide variant.
Coding change: c.1092G>A on transcript NM_004750.5 (MANE Select); coding-DNA position 1092, G replaced by A.
Protein change: p.Arg364=; no amino-acid change (arginine 364 retained).
Molecular consequence: synonymous variant.
Genome position (GRCh38, 1-based): chr19:18,594,367, C>T on the plus strand (G>A on the coding strand, the complement: CRLF1 is on the minus strand). VCF-style: chr19-18594367-C-T. GRCh37 (hg19) VCF-style: chr19-18705177-C-T.
Identifiers: ClinVar variation 2155811 (VCV002155811.28), dbSNP rs201943206, ClinGen allele CA9314002.